The following is an entry in ClinVar:

ClinVar aggregate classification (germline): Uncertain significance (1 of 4 stars; one submission).

Submission:

Labcorp Genetics (formerly Invitae), Labcorp
Classification: Uncertain significance. Last evaluated: 2023-11-04. Review status: criteria provided, single submitter. Criteria: Invitae Variant Classification Sherloc (09022015). Collection method: clinical testing. Allele origin: germline.
Comment: This sequence change affects the initiator methionine of the SLC44A4 mRNA. The next in-frame methionine is located at codon 77. This variant is not present in population databases (gnomAD no frequency). This variant has not been reported in the literature in individuals affected with SLC44A4-related conditions. Experimental studies and prediction algorithms are not available or were not evaluated, and the functional significance of this variant is currently unknown. In summary, the available evidence is currently insufficient to determine the role of this variant in disease. Therefore, it has been classified as a Variant of Uncertain Significance.

NM_025257.3(SLC44A4):c.3G>A (p.Met1Ile)

Genes: EHMT2-AS1 (EHMT2 and SLC44A4 antisense RNA 1; plus strand), SLC44A4 (solute carrier family 44 member 4; minus strand). Cytogenetic location: 6p21.33.
Variant type: single nucleotide variant.
Coding change: c.3G>A on transcript NM_025257.3 (MANE Select); coding-DNA position 3, G replaced by A.
Protein change: p.Met1Ile; changes the start codon (methionine 1).
Molecular consequence: missense variant, initiator codon variant.
Genome position (GRCh38, 1-based): chr6:31,878,978, C>T on the plus strand (G>A on the coding strand, the complement: SLC44A4 is on the minus strand). VCF-style: chr6-31878978-C-T. GRCh37 (hg19) VCF-style: chr6-31846755-C-T.
Other names: c.3G>A, p.Met1Ile (NM_001178044.2, NM_032794.1); short protein forms M1I.
Identifiers: ClinVar variation 2693318 (VCV002693318.3), dbSNP rs2481559182, ClinGen allele CA363387585.